The following is an entry in ClinVar:

ClinVar aggregate classification (germline): Pathogenic (1 of 4 stars; one submission).

Conditions:
Propionic acidemia (PROP). Also called: GLYCINEMIA, KETOTIC; HYPERGLYCINEMIA WITH KETOACIDOSIS AND LEUKOPENIA; KETOTIC HYPERGLYCINEMIA. Identifiers: Orphanet 35, MedGen C0268579, MONDO:0011628, OMIM 606054, HP:0003571.

Submission:

Labcorp Genetics (formerly Invitae), Labcorp
Classification: Pathogenic for Propionic acidemia. Last evaluated: 2023-11-09. Review status: criteria provided, single submitter. Criteria: Invitae Variant Classification Sherloc (09022015). Collection method: clinical testing. Allele origin: germline.
Comment: This variant is a gross deletion of the genomic region encompassing exon(s) 23 of the PCCA gene. This variant would be expected to be in-frame, preserving the integrity of the reading frame. A similar copy number variant has been observed in individual(s) with propionic acidemia (PMID: 19157943, 22033733). For these reasons, this variant has been classified as Pathogenic.

Literature cited by the submitters: PubMed 19157943; PubMed 22033733.

NC_000013.10:g.(?_101179909)_(101180026_?)del

Gene: PCCA (propionyl-CoA carboxylase subunit alpha; plus strand). Cytogenetic location: 13q32.3.
Variant type: Deletion.
Identifiers: ClinVar variation 1459908 (VCV001459908.5).